The following is an entry in ClinVar:

NM_022458.4(LMBR1):c.1011T>G (p.Asn337Lys)

Gene: LMBR1 (limb development membrane protein 1; minus strand). Cytogenetic location: 7q36.3.
Variant type: single nucleotide variant.
Coding change: c.1011T>G on transcript NM_022458.4 (MANE Select); coding-DNA position 1011, T replaced by G.
Protein change: p.Asn337Lys; replaces asparagine 337 with lysine.
Molecular consequence: missense variant. On other transcripts: non-coding transcript variant (2).
Genome position (GRCh38, 1-based): chr7:156,725,820, A>C on the plus strand (T>G on the coding strand, the complement: LMBR1 is on the minus strand). VCF-style: chr7-156725820-A-C. GRCh37 (hg19) VCF-style: chr7-156518514-A-C.
Other names: c.1134T>G, p.Asn378Lys (NM_001350953.2, NM_001363409.2); c.732T>G, p.Asn244Lys (NM_001350954.2); c.555T>G, p.Asn185Lys (NM_001350955.2, NM_001350956.2, NM_001350958.2 and 1 more transcripts); c.642T>G, p.Asn214Lys (NM_001350957.2, NM_001363411.2); c.1011T>G, p.Asn337Lys (NM_001363410.2); c.948T>G, p.Asn316Lys (NM_001363412.2); short protein forms N316K, N378K, N185K, N214K, N244K, N337K.
Identifiers: ClinVar variation 4750220 (VCV004750220.1).

ClinVar aggregate classification (germline): Uncertain significance (1 of 4 stars; one submission).

gnomAD v4.1: 26 of 1,613,558 alleles (0.0016%); highest among the groups gnomAD compares: African/African-American, 0.031%; no homozygotes.

Submission:

Labcorp Genetics (formerly Invitae), Labcorp
Classification: Uncertain significance. Last evaluated: 2025-04-10. Review status: criteria provided, single submitter. Criteria: Invitae Variant Classification Sherloc (09022015). Collection method: clinical testing. Allele origin: germline.
Comment: This sequence change replaces asparagine, which is neutral and polar, with lysine, which is basic and polar, at codon 337 of the LMBR1 protein (p.Asn337Lys). This variant is present in population databases (rs368074174, gnomAD 0.03%). This variant has not been reported in the literature in individuals affected with LMBR1-related conditions. Invitae Evidence Modeling of protein sequence and biophysical properties (such as structural, functional, and spatial information, amino acid conservation, physicochemical variation, residue mobility, and thermodynamic stability) indicates that this missense variant is not expected to disrupt LMBR1 protein function with a negative predictive value of 80%. In summary, the available evidence is currently insufficient to determine the role of this variant in disease. Therefore, it has been classified as a Variant of Uncertain Significance.